The following is an entry in ClinVar:

ClinVar aggregate classification (germline): Pathogenic (1 of 4 stars; one submission).

Conditions:
Duchenne muscular dystrophy (DMD). Also called: MUSCULAR DYSTROPHY, PSEUDOHYPERTROPHIC PROGRESSIVE, DUCHENNE TYPE; Duchenne Muscular Dystrophy (DMD). Identifiers: Orphanet 98896, MedGen C0013264, MONDO:0010679, OMIM 310200.

Submission:

Labcorp Genetics (formerly Invitae), Labcorp
Classification: Pathogenic for Duchenne muscular dystrophy. Last evaluated: 2022-07-11. Review status: criteria provided, single submitter. Criteria: Invitae Variant Classification Sherloc (09022015). Collection method: clinical testing. Allele origin: germline.
Comment: For these reasons, this variant has been classified as Pathogenic. Algorithms developed to predict the effect of sequence changes on RNA splicing suggest that this variant may disrupt the consensus splice site. ClinVar contains an entry for this variant (Variation ID: 1395065). Disruption of this splice site has been observed in individuals with Becker muscular dystrophy (PMID: 21515508). This variant is not present in population databases (gnomAD no frequency). This sequence change affects an acceptor splice site in intron 12 of the DMD gene. It is expected to disrupt RNA splicing. Variants that disrupt the donor or acceptor splice site typically lead to a loss of protein function (PMID: 16199547), and loss-of-function variants in DMD are known to be pathogenic (PMID: 16770791, 25007885).

Literature cited by the submitters: PubMed 21515508; PubMed 16199547; PubMed 16770791; PubMed 25007885.

NM_004006.3(DMD):c.1483-1G>T

Gene: DMD (dystrophin; minus strand). Cytogenetic location: Xp21.1.
Variant type: single nucleotide variant.
Coding change: c.1483-1G>T on transcript NM_004006.3 (MANE Select); the canonical splice acceptor site of the intron before coding-DNA position 1483, G replaced by T.
Molecular consequence: splice acceptor variant.
Genome position (GRCh38, 1-based): chrX:32,595,877, C>A on the plus strand (G>T on the coding strand, the complement: DMD is on the minus strand). VCF-style: chrX-32595877-C-A. GRCh37 (hg19) VCF-style: chrX-32613994-C-A.
Other names: c.1459-1G>T (NM_000109.4); c.1471-1G>T (NM_004009.3); c.1114-1G>T (NM_004010.3).
Identifiers: ClinVar variation 1395065 (VCV001395065.8), dbSNP rs863224982, ClinGen allele CA412665844.
Genomic context (GRCh38, chrX:32,595,877, plus strand): 5'-CACCATGTGAGTGAGAGAATTGACCCTGACTTGTTCTTGTTCTAGATCTTCTTGAAGCAC[C>A]TGAAAGATAAAATGTTTTAAAGGAAATTAAAATGATATTCTTACATGTGTGTTGAAATGA-3'